The following is an entry in ClinVar:

ClinVar aggregate classification (germline): Uncertain significance (0 of 4 stars; one submission).

Conditions:
PKD1L1-related disorder. Also called: PKD1L1-related condition.

gnomAD v4.1: 39 of 1,614,108 alleles (0.0024%); highest among the groups gnomAD compares: African/African-American, 0.045%; no homozygotes.

Submission:

PreventionGenetics, part of Exact Sciences
Classification: Uncertain significance for PKD1L1-related condition. Last evaluated: 2024-07-30. Review status: no assertion criteria provided. Collection method: clinical testing. Allele origin: germline.
Comment: The PKD1L1 c.3692T>G variant is predicted to result in the amino acid substitution p.Ile1231Arg. To our knowledge, this variant has not been reported in the literature. This variant is reported in 0.028% of alleles in individuals of African descent in gnomAD. At this time, the clinical significance of this variant is uncertain due to the absence of conclusive functional and genetic evidence.

NM_138295.5(PKD1L1):c.3692T>G (p.Ile1231Arg)

Gene: PKD1L1 (polycystin 1 like 1, transient receptor potential channel interacting; minus strand). Cytogenetic location: 7p12.3.
Variant type: single nucleotide variant.
Coding change: c.3692T>G on transcript NM_138295.5 (MANE Select); coding-DNA position 3692, T replaced by G.
Protein change: p.Ile1231Arg; replaces isoleucine 1231 with arginine.
Molecular consequence: missense variant.
Genome position (GRCh38, 1-based): chr7:47,876,189, A>C on the plus strand (T>G on the coding strand, the complement: PKD1L1 is on the minus strand). VCF-style: chr7-47876189-A-C. GRCh37 (hg19) VCF-style: chr7-47915787-A-C.
Other names: short protein forms I1231R.
Identifiers: ClinVar variation 3356106 (VCV003356106.1).
Genomic context (GRCh38, chr7:47,876,189, plus strand): 5'-AACACAAAATAATACTGGGTGTCTCTCCCATGGTACAAAGTGTGTTTGGAGGTGTTTCCT[A>C]TCTGGTAACTAAATTCATAATGGAAGTCCTATGATCCAGTCCAAGGGAGCAAAAATAGTA-3'
Protein context (NP_612152.1, residues 1221-1241): PDFHYEFSYQ[Ile1231Arg]GNTSKHTLYH